The following is an entry in ClinVar:

ClinVar aggregate classification (germline): Likely benign. Review status: criteria provided, multiple submitters, no conflicts (2 of 4 stars). 2 submissions from 2 submitters: Likely benign (2). Last evaluated 2026-07-02.

Conditions:
PKD1-related disorder. Also called: PKD1-related condition.

gnomAD v4.1: 30 of 1,610,432 alleles (0.0019%); highest among the groups gnomAD compares: African/African-American, 0.004%; no homozygotes.

Submissions (2):

PreventionGenetics, part of Exact Sciences
Classification: Likely benign for PKD1-related condition. Last evaluated: 2026-07-02. Review status: criteria provided, single submitter. Criteria: ACMG Guidelines, 2015. Collection method: clinical testing. Allele origin: germline.
Comment: This variant is classified as likely benign based on ACMG/AMP sequence variant interpretation guidelines (Richards et al. 2015 PMID: 25741868, with internal and published modifications).

Blueprint Genetics
Classification: Likely benign. Last evaluated: 2020-02-19. Review status: criteria provided, single submitter. Criteria: ACMG Guidelines, 2015. Collection method: clinical testing. Allele origin: germline.

NM_001009944.3(PKD1):c.6165G>A (p.Leu2055=)

Gene: PKD1 (polycystin 1, transient receptor potential channel interacting; minus strand). Cytogenetic location: 16p13.3.
Variant type: single nucleotide variant.
Coding change: c.6165G>A on transcript NM_001009944.3 (MANE Select); coding-DNA position 6165, G replaced by A.
Protein change: p.Leu2055=; no amino-acid change (leucine 2055 retained).
Molecular consequence: synonymous variant.
Genome position (GRCh38, 1-based): chr16:2,109,002, C>T on the plus strand (G>A on the coding strand, the complement: PKD1 is on the minus strand). VCF-style: chr16-2109002-C-T. GRCh37 (hg19) VCF-style: chr16-2159003-C-T.
Other names: c.6165G>A, p.Leu2055= (NM_000296.4).
Identifiers: ClinVar variation 4927814 (VCV004927814.2).